The following is an entry in ClinVar:

ClinVar aggregate classification (germline): Likely benign (0 of 4 stars; one submission).

Conditions:
RECQL5-related disorder. Also called: RECQL5-related condition.

Allele frequency attached by ClinVar (database versions not stated): 1000 Genomes Project 0.00020; TOPMed 0.00042; 1000 Genomes Project 30x 0.00047; ESP Exome Variant Server 0.00054; gnomAD 0.00058; ExAC 0.00069; gnomAD exomes 0.00084.
gnomAD v4.1: 1,331 of 1,613,870 alleles (0.082%); highest among the groups gnomAD compares: Non-Finnish European, 0.095%; 2 homozygotes.

Submission:

PreventionGenetics, part of Exact Sciences
Classification: Likely benign for RECQL5-related condition. Last evaluated: 2023-11-08. Review status: no assertion criteria provided. Collection method: clinical testing. Allele origin: germline.
Comment: This variant is classified as likely benign based on ACMG/AMP sequence variant interpretation guidelines (Richards et al. 2015 PMID: 25741868, with internal and published modifications).

NM_004259.7(RECQL5):c.1459G>A (p.Gly487Ser)

Gene: RECQL5 (RecQ like helicase 5; minus strand). Cytogenetic location: 17q25.1.
Variant type: single nucleotide variant.
Coding change: c.1459G>A on transcript NM_004259.7 (MANE Select); coding-DNA position 1459, G replaced by A.
Protein change: p.Gly487Ser; replaces glycine 487 with serine.
Molecular consequence: missense variant.
Genome position (GRCh38, 1-based): chr17:75,631,239, C>T on the plus strand (G>A on the coding strand, the complement: RECQL5 is on the minus strand). VCF-style: chr17-75631239-C-T. GRCh37 (hg19) VCF-style: chr17-73627319-C-T.
Other names: short protein forms G487S.
Identifiers: ClinVar variation 3060025 (VCV003060025.2), dbSNP rs199924706, ClinGen allele CA8767498.
Genomic context (GRCh38, chr17:75,631,239, plus strand): 5'-AGAGGTTCCACTCCCGCTTGTGGGCCTCATCTCTGCCTTCATCCCCGCTGCCTCCAGAAC[C>T]TTCGTCATACCTAGGGACAGGCCAGGCGTGAGTGGCCCTGGCCTGGGCTCTGCCCTCCCC-3'
Protein context (NP_004250.4, residues 477-497): GYGDFSRYDE[Gly487Ser]SGGSGDEGRD